The following is an entry in ClinVar:

NM_001042472.3(ABHD12):c.36T>G (p.His12Gln)

Genes: ABHD12 (abhydrolase domain containing 12, lysophospholipase; minus strand), LOC130065586 (ATAC-STARR-seq lymphoblastoid silent region 12752; plus strand). Cytogenetic location: 20p11.21.
Variant type: single nucleotide variant.
Coding change: c.36T>G on transcript NM_001042472.3 (MANE Select); coding-DNA position 36, T replaced by G.
Protein change: p.His12Gln; replaces histidine 12 with glutamine.
Molecular consequence: missense variant.
Genome position (GRCh38, 1-based): chr20:25,390,668, A>C on the plus strand (T>G on the coding strand, the complement: ABHD12 is on the minus strand). VCF-style: chr20-25390668-A-C. GRCh37 (hg19) VCF-style: chr20-25371304-A-C.
Other names: c.36T>G (NM_001042472.2); c.36T>G, p.His12Gln (NM_015600.5); short protein forms H12Q.
Identifiers: ClinVar variation 1062842 (VCV001062842.7), dbSNP rs915266210, ClinGen allele CA313686261.

ClinVar aggregate classification (germline): Uncertain significance. Review status: criteria provided, multiple submitters, no conflicts (2 of 4 stars). 3 submissions from 3 submitters: Uncertain significance (3). Last evaluated 2025-08-24.

Conditions:
Inborn genetic diseases. Identifiers: MedGen C0950123, MeSH D030342.

Allele frequency attached by ClinVar (database versions not stated): gnomAD 0.00001; gnomAD exomes 0.00003.
gnomAD v4.1: 49 of 1,435,372 alleles (0.0034%); highest among the groups gnomAD compares: Non-Finnish European, 0.004%; no homozygotes.

Submissions (3):

Ambry Genetics
Classification: Uncertain significance for Inborn genetic diseases. Last evaluated: 2025-08-24. Review status: criteria provided, single submitter. Criteria: Ambry Variant Classification Scheme 2023. Collection method: clinical testing. Allele origin: germline.

Labcorp Genetics (formerly Invitae), Labcorp
Classification: Uncertain significance. Last evaluated: 2024-10-21. Review status: criteria provided, single submitter. Criteria: Invitae Variant Classification Sherloc (09022015). Collection method: clinical testing. Allele origin: germline.
Comment: This sequence change replaces histidine, which is basic and polar, with glutamine, which is neutral and polar, at codon 12 of the ABHD12 protein (p.His12Gln). This variant is present in population databases (no rsID available, gnomAD 0.004%). This variant has not been reported in the literature in individuals affected with ABHD12-related conditions. ClinVar contains an entry for this variant (Variation ID: 1062842). An algorithm developed to predict the effect of missense changes on protein structure and function (PolyPhen-2) suggests that this variant¬†is likely to be tolerated. In summary, the available evidence is currently insufficient to determine the role of this variant in disease. Therefore, it has been classified as a Variant of Uncertain Significance.

Blueprint Genetics
Classification: Uncertain significance. Last evaluated: 2023-08-04. Review status: criteria provided, single submitter. Criteria: ACMG Guidelines, 2015. Collection method: clinical testing. Allele origin: germline.